The following is an entry in ClinVar:

NM_173689.7(CRB2):c.1750C>A (p.Arg584Ser)

Gene: CRB2 (crumbs cell polarity complex component 2; plus strand). Cytogenetic location: 9q33.3.
Variant type: single nucleotide variant.
Coding change: c.1750C>A on transcript NM_173689.7 (MANE Select); coding-DNA position 1750, C replaced by A.
Protein change: p.Arg584Ser; replaces arginine 584 with serine.
Molecular consequence: missense variant. On other transcripts: non-coding transcript variant (1).
Genome position (GRCh38, 1-based): chr9:123,370,803, C>A. VCF-style: chr9-123370803-C-A. GRCh37 (hg19) VCF-style: chr9-126133082-C-A.
Other names: c.1750C>A (NM_173689.5); short protein forms R584S.
Identifiers: ClinVar variation 1433824 (VCV001433824.9), dbSNP rs55951681, ClinGen allele CA5232044.

ClinVar aggregate classification (germline): Uncertain significance. Review status: criteria provided, multiple submitters, no conflicts (2 of 4 stars). 2 submissions from 2 submitters: Uncertain significance (2). Last evaluated 2025-04-25.

Conditions:
Inborn genetic diseases. Identifiers: MedGen C0950123, MeSH D030342.

gnomAD v4.1: 31 of 1,603,582 alleles (0.0019%); highest among the groups gnomAD compares: Non-Finnish European, 0.0026%; no homozygotes.

Submissions (2):

Ambry Genetics
Classification: Uncertain significance for Inborn genetic diseases. Last evaluated: 2025-04-25. Review status: criteria provided, single submitter. Criteria: Ambry Variant Classification Scheme 2023. Collection method: clinical testing. Allele origin: germline.

Labcorp Genetics (formerly Invitae), Labcorp
Classification: Uncertain significance. Last evaluated: 2022-09-07. Review status: criteria provided, single submitter. Criteria: Invitae Variant Classification Sherloc (09022015). Collection method: clinical testing. Allele origin: germline.
Comment: This sequence change replaces arginine, which is basic and polar, with serine, which is neutral and polar, at codon 584 of the CRB2 protein (p.Arg584Ser). This variant is present in population databases (rs55951681, gnomAD 0.004%). This variant has not been reported in the literature in individuals affected with CRB2-related conditions. ClinVar contains an entry for this variant (Variation ID: 1433824). Advanced modeling of protein sequence and biophysical properties (such as structural, functional, and spatial information, amino acid conservation, physicochemical variation, residue mobility, and thermodynamic stability) performed at Invitae indicates that this missense variant is not expected to disrupt CRB2 protein function. Algorithms developed to predict the effect of sequence changes on RNA splicing suggest that this variant may create or strengthen a splice site. In summary, the available evidence is currently insufficient to determine the role of this variant in disease. Therefore, it has been classified as a Variant of Uncertain Significance.